The following is an entry in ClinVar:

NM_001394062.1(MACF1):c.20613+6G>A

Gene: MACF1 (microtubule actin crosslinking factor 1; plus strand). Cytogenetic location: 1p34.3.
Variant type: single nucleotide variant.
Coding change: c.20613+6G>A on transcript NM_001394062.1 (MANE Select); 6 bases into the intron after coding-DNA position 20613, G replaced by A.
Molecular consequence: intron variant.
Genome position (GRCh38, 1-based): chr1:39,452,356, G>A. VCF-style: chr1-39452356-G-A. GRCh37 (hg19) VCF-style: chr1-39918028-G-A.
Other names: c.14436+6G>A (NM_012090.5); c.8691+6G>A (NM_001397473.1).
Identifiers: ClinVar variation 2227700 (VCV002227700.2), dbSNP rs778117785, ClinGen allele CA20955172.

ClinVar aggregate classification (germline): Uncertain significance (1 of 4 stars; one submission).

Conditions:
Inborn genetic diseases. Identifiers: MedGen C0950123, MeSH D030342.

Allele frequency attached by ClinVar (database versions not stated): gnomAD 0.00001; gnomAD exomes 0.00001; TOPMed 0.00001.
gnomAD v4.1: 14 of 1,610,946 alleles (0.00087%); highest among the groups gnomAD compares: Non-Finnish European, 0.0012%; no homozygotes.

Submission:

Ambry Genetics
Classification: Uncertain significance for Inborn genetic diseases. Last evaluated: 2022-09-28. Review status: criteria provided, single submitter. Criteria: Ambry Variant Classification Scheme 2023. Collection method: clinical testing. Allele origin: germline.
Comment: The c.14436+6G>A intronic alteration consists of a G to A substitution 6 nucleotides after exon 83 (coding exon 81) the MACF1 gene. Based on insufficient or conflicting evidence, the clinical significance of this alteration remains unclear.